The following is an entry in ClinVar:

NM_000111.3(SLC26A3):c.995A>G (p.Asp332Gly)

Gene: SLC26A3 (solute carrier family 26 member 3; minus strand). Cytogenetic location: 7q22.3.
Variant type: single nucleotide variant.
Coding change: c.995A>G on transcript NM_000111.3 (MANE Select); coding-DNA position 995, A replaced by G.
Protein change: p.Asp332Gly; replaces aspartic acid 332 with glycine.
Molecular consequence: missense variant.
Genome position (GRCh38, 1-based): chr7:107,783,329, T>C on the plus strand (A>G on the coding strand, the complement: SLC26A3 is on the minus strand). VCF-style: chr7-107783329-T-C. GRCh37 (hg19) VCF-style: chr7-107423774-T-C.
Other names: short protein forms D332G.
Identifiers: ClinVar variation 1958916 (VCV001958916.2), dbSNP rs140952086, ClinGen allele CA164242551.

ClinVar aggregate classification (germline): Uncertain significance (1 of 4 stars; one submission).

Allele frequency attached by ClinVar (database versions not stated): gnomAD exomes below 0.00001; gnomAD 0.00001; TOPMed 0.00005; ESP Exome Variant Server 0.00008.
gnomAD v4.1: 3 of 1,614,036 alleles (0.00019%); highest among the groups gnomAD compares: African/African-American, 0.004%; no homozygotes.

Submission:

Labcorp Genetics (formerly Invitae), Labcorp
Classification: Uncertain significance. Last evaluated: 2022-07-26. Review status: criteria provided, single submitter. Criteria: Invitae Variant Classification Sherloc (09022015). Collection method: clinical testing. Allele origin: germline.
Comment: This sequence change replaces aspartic acid, which is acidic and polar, with glycine, which is neutral and non-polar, at codon 332 of the SLC26A3 protein (p.Asp332Gly). This variant is not present in population databases (gnomAD no frequency). This variant has not been reported in the literature in individuals affected with SLC26A3-related conditions. Algorithms developed to predict the effect of missense changes on protein structure and function are either unavailable or do not agree on the potential impact of this missense change (SIFT: "Tolerated"; PolyPhen-2: "Possibly Damaging"; Align-GVGD: "Class C0"). In summary, the available evidence is currently insufficient to determine the role of this variant in disease. Therefore, it has been classified as a Variant of Uncertain Significance.